The following is an entry in ClinVar:

NM_001099922.3(ALG13):c.2758C>T (p.Pro920Ser)

Gene: ALG13 (ALG13 UDP-N-acetylglucosaminyltransferase subunit; plus strand). Cytogenetic location: Xq23.
Variant type: single nucleotide variant.
Coding change: c.2758C>T on transcript NM_001099922.3 (MANE Select); coding-DNA position 2758, C replaced by T.
Protein change: p.Pro920Ser; replaces proline 920 with serine.
Molecular consequence: missense variant. On other transcripts: intron variant (5).
Genome position (GRCh38, 1-based): chrX:111,744,730, C>T. VCF-style: chrX-111744730-C-T. GRCh37 (hg19) VCF-style: chrX-110987958-C-T.
Other names: c.2524C>T, p.Pro842Ser (NM_001257231.2); c.2383+7851C>T (NM_001257237.2, NM_001257234.2, NM_001257230.2); c.2209+7851C>T (NM_001324293.1); c.2695+7851C>T (NM_001324292.2); short protein forms P920S, P842S.
Identifiers: ClinVar variation 1906365 (VCV001906365.5), dbSNP rs748792396, ClinGen allele CA414291465.

ClinVar aggregate classification (germline): Uncertain significance (1 of 4 stars; one submission).

Conditions:
Developmental and epileptic encephalopathy, 36 (DEE36). Also called: ALG13-CDG; Epileptic encephalopathy, early infantile, 36; Congenital disorder of glycosylation, type Is. Identifiers: Orphanet 324422, MedGen C4317295, MONDO:0010472, OMIM 300884.

gnomAD v4.1: 2 of 997,120 alleles (0.0002%); highest among the groups gnomAD compares: Non-Finnish European, 0.00026%; no homozygotes.

Submission:

Labcorp Genetics (formerly Invitae), Labcorp
Classification: Uncertain significance for Developmental and epileptic encephalopathy, 36. Last evaluated: 2025-09-23. Review status: criteria provided, single submitter. Criteria: Invitae Variant Classification Sherloc (09022015). Collection method: clinical testing. Allele origin: germline.
Comment: This sequence change replaces proline, which is neutral and non-polar, with serine, which is neutral and polar, at codon 920 of the ALG13 protein (p.Pro920Ser). The frequency data for this variant in the population databases is considered unreliable, as metrics indicate poor data quality at this position in the gnomAD database. This variant has not been reported in the literature in individuals affected with ALG13-related conditions. ClinVar contains an entry for this variant (Variation ID: 1906365). Invitae Evidence Modeling of protein sequence and biophysical properties (such as structural, functional, and spatial information, amino acid conservation, physicochemical variation, residue mobility, and thermodynamic stability) indicates that this missense variant is not expected to disrupt ALG13 protein function with a negative predictive value of 95%. In summary, the available evidence is currently insufficient to determine the role of this variant in disease. Therefore, it has been classified as a Variant of Uncertain Significance.